The following is an entry in ClinVar:

NM_001199138.2(NLRC4):c.2474T>G (p.Ile825Ser)

Gene: NLRC4 (NLR family CARD domain containing 4; minus strand). Cytogenetic location: 2p22.3.
Variant type: single nucleotide variant.
Coding change: c.2474T>G on transcript NM_001199138.2 (MANE Select); coding-DNA position 2474, T replaced by G.
Protein change: p.Ile825Ser; replaces isoleucine 825 with serine.
Molecular consequence: missense variant.
Genome position (GRCh38, 1-based): chr2:32,238,179, A>C on the plus strand (T>G on the coding strand, the complement: NLRC4 is on the minus strand). VCF-style: chr2-32238179-A-C. GRCh37 (hg19) VCF-style: chr2-32463248-A-C.
Other names: c.2474T>G, p.Ile825Ser (NM_001199139.2, NM_021209.5); c.479T>G, p.Ile160Ser (NM_001302504.2); short protein forms I160S, I825S.
Identifiers: ClinVar variation 2929228 (VCV002929228.2), dbSNP rs747331080, ClinGen allele CA1601790.
Genomic context (GRCh38, chr2:32,238,179, plus strand): 5'-AAGCAACAGTTACCTAGGATTTTCACTGCATTTGCAGACAAGCAGCAGGAGACTAATTGA[A>C]TTTCTTCAAGGTCACAGGGTTCACTTGACAGAGACTTGACTATGTAATCCATTCCCTCTC-3'
Protein context (NP_001186067.1, residues 815-835): LSSEPCDLEE[Ile825Ser]QLVSCCLSAN

ClinVar aggregate classification (germline): Uncertain significance (1 of 4 stars; one submission).

Conditions:
Periodic fever-infantile enterocolitis-autoinflammatory syndrome. Also called: Autoinflammation with infantile enterocolitis. Identifiers: Orphanet 436166, MedGen C4015067, MONDO:0014472, OMIM 616050.
Familial cold autoinflammatory syndrome 4 (FCAS4). Identifiers: Orphanet 47045, Orphanet 576349, MedGen C4015276, MONDO:0014498, OMIM 616115.

gnomAD v4.1: 33 of 1,613,648 alleles (0.002%); highest among the groups gnomAD compares: Non-Finnish European, 0.0027%; no homozygotes.

Submission:

Labcorp Genetics (formerly Invitae), Labcorp
Classification: Uncertain significance for Periodic fever-infantile enterocolitis-autoinflammatory syndrome; Familial cold autoinflammatory syndrome 4. Last evaluated: 2024-08-05. Review status: criteria provided, single submitter. Criteria: Invitae Variant Classification Sherloc (09022015). Collection method: clinical testing. Allele origin: germline.
Comment: This sequence change replaces isoleucine, which is neutral and non-polar, with serine, which is neutral and polar, at codon 825 of the NLRC4 protein (p.Ile825Ser). This variant is present in population databases (rs747331080, gnomAD 0.004%). This variant has not been reported in the literature in individuals affected with NLRC4-related conditions. Advanced modeling of protein sequence and biophysical properties (such as structural, functional, and spatial information, amino acid conservation, physicochemical variation, residue mobility, and thermodynamic stability) has been performed at Invitae for this missense variant, however the output from this modeling did not meet the statistical confidence thresholds required to predict the impact of this variant on NLRC4 protein function. In summary, the available evidence is currently insufficient to determine the role of this variant in disease. Therefore, it has been classified as a Variant of Uncertain Significance.